The following is an entry in ClinVar:

ClinVar aggregate classification (germline): Likely benign (1 of 4 stars; one submission).

Allele frequency attached by ClinVar (database versions not stated): gnomAD 0.00001; TOPMed 0.00002; gnomAD exomes 0.00003.

Submission:

CeGaT Center for Human Genetics Tuebingen
Classification: Likely benign. Last evaluated: 2023-03-01. Review status: criteria provided, single submitter. Criteria: CeGaT Center For Human Genetics Tuebingen Variant Classification Criteria Version 2. Collection method: clinical testing. Allele origin: germline. Affected: yes. Observed: 2 variant alleles.
Comment: CASZ1: BP4, BP7

NM_001079843.3(CASZ1):c.4617A>G (p.Lys1539=)

Gene: CASZ1 (castor zinc finger 1; minus strand). Cytogenetic location: 1p36.22.
Variant type: single nucleotide variant.
Coding change: c.4617A>G on transcript NM_001079843.3 (MANE Select); coding-DNA position 4617, A replaced by G.
Protein change: p.Lys1539=; no amino-acid change (lysine 1539 retained).
Molecular consequence: synonymous variant.
Genome position (GRCh38, 1-based): chr1:10,639,605, T>C on the plus strand (A>G on the coding strand, the complement: CASZ1 is on the minus strand). VCF-style: chr1-10639605-T-C. GRCh37 (hg19) VCF-style: chr1-10699662-T-C.
Identifiers: ClinVar variation 2638206 (VCV002638206.24), dbSNP rs1158005471, ClinGen allele CA416035843.